The following is an entry in ClinVar:

NM_001369.3(DNAH5):c.7442_7443insTATAAGAGACAGT (p.Arg2482fs)

Gene: DNAH5 (dynein axonemal heavy chain 5; minus strand). Cytogenetic location: 5p15.2.
Variant type: Insertion.
Coding change: c.7442_7443insTATAAGAGACAGT on transcript NM_001369.3 (MANE Select); coding-DNA positions 7442 to 7443, TATAAGAGACAGT inserted.
Protein change: p.Arg2482fs; shifts the reading frame from arginine 2482.
Molecular consequence: frameshift variant.
Genome position: GRCh38 VCF-style: chr5-13810225-C-CACTGTCTCTTATA. GRCh37 (hg19) VCF-style: chr5-13810334-C-CACTGTCTCTTATA.
Other names: short protein forms R2482fs.
Identifiers: ClinVar variation 5010835 (VCV005010835.1).

ClinVar aggregate classification (germline): Pathogenic (1 of 4 stars; one submission).

Conditions:
Primary ciliary dyskinesia 3. Identifiers: Orphanet 244, MedGen C1837618, MONDO:0012085, OMIM 608644.

Submission:

Myriad Genetics, Inc.
Classification: Pathogenic for Primary ciliary dyskinesia 3. Last evaluated: 2024-05-14. Review status: criteria provided, single submitter. Criteria: Myriad Autosomal Dominant, Autosomal Recessive and X-Linked Classification Criteria (2023). Collection method: clinical testing. Allele origin: unknown.
Comment: NM_001369.2(DNAH5):c.7442_7443ins13(R2482Ifs*77) is expected to be pathogenic in the context of primary ciliary dyskinesia, DNAH5-related. This variant is predicted to lead to an abnormal or absent protein product due to the creation of a premature termination codon in DNAH5, a gene where loss-of-function variants are known to be pathogenic. Please note: this variant was assessed in the context of healthy population screening.